The following is an entry in ClinVar:

NM_001267550.2(TTN):c.89363G>A (p.Gly29788Glu)

Genes: TTN (titin; minus strand), TTN-AS1 (TTN antisense RNA 1; plus strand). Cytogenetic location: 2q31.2.
Variant type: single nucleotide variant.
Coding change: c.89363G>A on transcript NM_001267550.2 (MANE Select); coding-DNA position 89363, G replaced by A.
Protein change: p.Gly29788Glu; replaces glycine 29788 with glutamic acid.
Molecular consequence: missense variant.
Genome position (GRCh38, 1-based): chr2:178,553,642, C>T on the plus strand (G>A on the coding strand, the complement: TTN is on the minus strand). VCF-style: chr2-178553642-C-T. GRCh37 (hg19) VCF-style: chr2-179418369-C-T.
Other names: c.84440G>A, p.Gly28147Glu (NM_001256850.1); c.62168G>A, p.Gly20723Glu (NM_003319.4); c.81659G>A, p.Gly27220Glu (NM_133378.4); c.62543G>A, p.Gly20848Glu (NM_133432.3); c.62744G>A, p.Gly20915Glu (NM_133437.4); short protein forms G20723E, G20848E, G20915E, G27220E, G28147E, G29788E.
Identifiers: ClinVar variation 3901778 (VCV003901778.1).

ClinVar aggregate classification (germline): Uncertain significance (1 of 4 stars; one submission).

gnomAD v4.1: 1 of 1,613,742 alleles (0.000062%); highest among the groups gnomAD compares: African/African-American, 0.0013%; no homozygotes.

Submission:

GeneDx
Classification: Uncertain significance. Last evaluated: 2024-12-05. Review status: criteria provided, single submitter. Criteria: GeneDx Variant Classification Process June 2021. Collection method: clinical testing. Allele origin: germline. Affected: yes.
Comment: Not observed at significant frequency in large population cohorts (gnomAD); Missense variant in a gene in which most reported pathogenic variants are truncating/loss of function; Has not been previously published as pathogenic or benign to our knowledge; This variant is associated with the following publications: (PMID: 23975875)